The following is an entry in ClinVar:

ClinVar aggregate classification (germline): Likely pathogenic. Review status: criteria provided, multiple submitters, no conflicts (2 of 4 stars). 3 submissions from 3 submitters: Likely pathogenic (3). Last evaluated 2026-03-03.

Conditions:
Fetal anomalies with a likely genetic cause.
Rothmund-Thomson syndrome type 3. Also called: Short stature with microcephaly and distinctive facies. Identifiers: MedGen C4014339, MONDO:0014347, OMIM 615789.

Allele frequency attached by ClinVar (database versions not stated): gnomAD 0.00001; TOPMed 0.00002.

Submissions (3):

Genetics Laboratory, Great Ormond Street Hospital NHS Foundation Trust, North Thames Genomic Laboratory Hub
Classification: Likely pathogenic for Fetal anomalies with a likely genetic cause. Last evaluated: 2026-03-03. Review status: criteria provided, single submitter. Criteria: ACGS Best Practice Guidelines for Variant Classification in Rare Disease 2024 v1.2. Collection method: clinical testing. Allele origin: germline. Affected: yes.
Comment: PM2_moderate, PVS1_strong

Labcorp Genetics (formerly Invitae), Labcorp
Classification: Likely pathogenic. Last evaluated: 2023-03-04. Review status: criteria provided, single submitter. Criteria: Invitae Variant Classification Sherloc (09022015). Collection method: clinical testing. Allele origin: germline.
Comment: This variant has not been reported in the literature in individuals affected with CRIPT-related conditions. In summary, the currently available evidence indicates that the variant is pathogenic, but additional data are needed to prove that conclusively. Therefore, this variant has been classified as Likely Pathogenic. Algorithms developed to predict the effect of sequence changes on RNA splicing suggest that this variant may disrupt the consensus splice site. ClinVar contains an entry for this variant (Variation ID: 2150415). This variant is present in population databases (rs746415991, gnomAD 0.002%). This sequence change affects an acceptor splice site in intron 2 of the CRIPT gene. It is expected to disrupt RNA splicing. Variants that disrupt the donor or acceptor splice site typically lead to a loss of protein function (PMID: 16199547), and loss-of-function variants in CRIPT are known to be pathogenic (PMID: 24389050, 27250922).

Juno Genomics, Hangzhou Juno Genomics, Inc
Classification: Likely pathogenic for Rothmund-Thomson syndrome type 3. Review status: criteria provided, single submitter. Criteria: ACMG Guidelines, 2015. Collection method: clinical testing. Allele origin: germline.
Comment: Null variant in a gene where loss of function (LOF) is a known mechanism of disease.;Absent from controls (or at extremely low frequency if recessive) in Genome Aggregation Database.

Literature cited by the submitters: PubMed 16199547 (cited by Labcorp Genetics (formerly Invitae), Labcorp); PubMed 24389050 (cited by Labcorp Genetics (formerly Invitae), Labcorp); PubMed 27250922 (cited by Labcorp Genetics (formerly Invitae), Labcorp).

NM_014171.6(CRIPT):c.83-1G>A

Gene: CRIPT (CXXC repeat containing interactor of PDZ3 domain; plus strand). Cytogenetic location: 2p21.
Variant type: single nucleotide variant.
Coding change: c.83-1G>A on transcript NM_014171.6 (MANE Select); the canonical splice acceptor site of the intron before coding-DNA position 83, G replaced by A.
Molecular consequence: splice acceptor variant.
Genome position (GRCh38, 1-based): chr2:46,619,626, G>A. VCF-style: chr2-46619626-G-A. GRCh37 (hg19) VCF-style: chr2-46846765-G-A.
Identifiers: ClinVar variation 2150415 (VCV002150415.7), dbSNP rs746415991, ClinGen allele CA1646295.
Genomic context (GRCh38, chr2:46,619,626, plus strand): 5'-TTAATATTATATGTTAAATGTATAGAAATAACCCACTAAAATATCTTTTATTCTGATACA[G>A]AAAGTGGTGGAAGAAAGCTGAATGAAAATAAAGCTTTGACTTCAAAAAAAGCAAGGTGGG-3'